The following is an entry in ClinVar:

NM_152415.3(VPS37A):c.430C>A (p.Pro144Thr)

Gene: VPS37A (VPS37A subunit of ESCRT-I; plus strand). Cytogenetic location: 8p22.
Variant type: single nucleotide variant.
Coding change: c.430C>A on transcript NM_152415.3 (MANE Select); coding-DNA position 430, C replaced by A.
Protein change: p.Pro144Thr; replaces proline 144 with threonine.
Molecular consequence: missense variant.
Genome position (GRCh38, 1-based): chr8:17,274,746, C>A. VCF-style: chr8-17274746-C-A. GRCh37 (hg19) VCF-style: chr8-17132255-C-A.
Other names: c.355C>A, p.Pro119Thr (NM_001145152.2); c.430C>A, p.Pro144Thr (NM_001363167.1, NM_001363173.2); c.160C>A, p.Pro54Thr (NM_001363168.1, NM_001363169.1, NM_001363170.1 and 2 more transcripts); short protein forms P144T, P119T, P54T.
Identifiers: ClinVar variation 579627 (VCV000579627.7), dbSNP rs373775451, ClinGen allele CA4643324.

ClinVar aggregate classification (germline): Uncertain significance. Review status: criteria provided, multiple submitters, no conflicts (2 of 4 stars). 2 submissions from 2 submitters: Uncertain significance (2). Last evaluated 2025-01-01.

Conditions:
Hereditary spastic paraplegia 53. Also called: Spastic paraplegia 53, autosomal recessive. Identifiers: Orphanet 319199, MedGen C3539494, MONDO:0013962, OMIM 614898.

Allele frequency attached by ClinVar (database versions not stated): ESP Exome Variant Server 0.00015; TOPMed 0.00022; gnomAD 0.00023.
gnomAD v4.1: 308 of 1,613,672 alleles (0.019%); highest among the groups gnomAD compares: Admixed American, 0.053%; 1 homozygote.

Submissions (2):

Ambry Genetics
Classification: Uncertain significance. Last evaluated: 2025-01-01. Review status: criteria provided, single submitter. Criteria: Ambry Variant Classification Scheme 2023. Collection method: clinical testing. Allele origin: germline.

Labcorp Genetics (formerly Invitae), Labcorp
Classification: Uncertain significance for Hereditary spastic paraplegia 53. Last evaluated: 2024-02-24. Review status: criteria provided, single submitter. Criteria: Invitae Variant Classification Sherloc (09022015). Collection method: clinical testing. Allele origin: germline.
Comment: This sequence change replaces proline, which is neutral and non-polar, with threonine, which is neutral and polar, at codon 144 of the VPS37A protein (p.Pro144Thr). This variant is present in population databases (rs373775451, gnomAD 0.05%). This variant has not been reported in the literature in individuals affected with VPS37A-related conditions. ClinVar contains an entry for this variant (Variation ID: 579627). Advanced modeling of protein sequence and biophysical properties (such as structural, functional, and spatial information, amino acid conservation, physicochemical variation, residue mobility, and thermodynamic stability) performed at Invitae indicates that this missense variant is not expected to disrupt VPS37A protein function with a negative predictive value of 80%. In summary, the available evidence is currently insufficient to determine the role of this variant in disease. Therefore, it has been classified as a Variant of Uncertain Significance.